The following is an entry in ClinVar:

ClinVar aggregate classification (germline): Uncertain significance. Review status: criteria provided, multiple submitters, no conflicts (2 of 4 stars). 3 submissions from 3 submitters: Uncertain significance (3). Last evaluated 2026-09-01.

Conditions:
Inborn genetic diseases. Identifiers: MedGen C0950123, MeSH D030342.

Allele frequency attached by ClinVar (database versions not stated): gnomAD exomes below 0.00001.
gnomAD v4.1: 1 of 1,607,968 alleles (0.000062%); highest among the groups gnomAD compares: Admixed American, 0.0017%; no homozygotes.

Submissions (3):

CeGaT Center for Human Genetics Tuebingen
Classification: Uncertain significance. Last evaluated: 2026-09-01. Review status: criteria provided, single submitter. Criteria: CeGaT Center For Human Genetics Tuebingen Variant Classification Criteria Version 2. Collection method: clinical testing. Allele origin: germline. Affected: yes. Observed: 1 variant allele.
Comment: ASXL1: PM2, BP4

Ambry Genetics
Classification: Uncertain significance for Inborn genetic diseases. Last evaluated: 2026-02-20. Review status: criteria provided, single submitter. Criteria: Ambry Variant Classification Scheme 2023. Collection method: clinical testing. Allele origin: germline.
Comment: The c.1922T>G (p.I641S) alteration is located in exon 13 (coding exon 13) of the ASXL1 gene. This alteration results from a T to G substitution at nucleotide position 1922, causing the isoleucine (I) at amino acid position 641 to be replaced by a serine (S). Based on data from gnomAD, the G allele has an overall frequency of <0.001% (1/234900) total alleles studied. The highest observed frequency was 0.003% (1/33592) of Latino alleles. This amino acid position is well conserved in available vertebrate species. This alteration is predicted to be tolerated by in silico analysis. Based on insufficient or conflicting evidence, the clinical significance of this alteration remains unclear.

Labcorp Genetics (formerly Invitae), Labcorp
Classification: Uncertain significance. Last evaluated: 2025-05-19. Review status: criteria provided, single submitter. Criteria: Invitae Variant Classification Sherloc (09022015). Collection method: clinical testing. Allele origin: germline.
Comment: This sequence change replaces isoleucine, which is neutral and non-polar, with serine, which is neutral and polar, at codon 641 of the ASXL1 protein (p.Ile641Ser). This variant is present in population databases (no rsID available, gnomAD 0.003%). This variant has not been reported in the literature in individuals affected with ASXL1-related conditions. ClinVar contains an entry for this variant (Variation ID: 1967195). An algorithm developed to predict the effect of missense changes on protein structure and function (PolyPhen-2) suggests that this variant is likely to be disruptive. In summary, the available evidence is currently insufficient to determine the role of this variant in disease. Therefore, it has been classified as a Variant of Uncertain Significance.

NM_015338.6(ASXL1):c.1922T>G (p.Ile641Ser)

Gene: ASXL1 (ASXL transcriptional regulator 1; plus strand). Cytogenetic location: 20q11.21.
Variant type: single nucleotide variant.
Coding change: c.1922T>G on transcript NM_015338.6 (MANE Select); coding-DNA position 1922, T replaced by G.
Protein change: p.Ile641Ser; replaces isoleucine 641 with serine.
Molecular consequence: missense variant.
Genome position (GRCh38, 1-based): chr20:32,434,634, T>G. VCF-style: chr20-32434634-T-G. GRCh37 (hg19) VCF-style: chr20-31022437-T-G.
Other names: c.1739T>G, p.Ile580Ser (NM_001363734.1); short protein forms I641S, I580S.
Identifiers: ClinVar variation 1967195 (VCV001967195.9), dbSNP rs1425060838, ClinGen allele CA408558198.